The following is an entry in ClinVar:

ClinVar aggregate classification (germline): Uncertain significance (1 of 4 stars; one submission).

Submission:

Labcorp Genetics (formerly Invitae), Labcorp
Classification: Uncertain significance. Last evaluated: 2024-01-25. Review status: criteria provided, single submitter. Criteria: Invitae Variant Classification Sherloc (09022015). Collection method: clinical testing. Allele origin: germline.
Comment: This sequence change falls in intron 25 of the ITGAM gene. It does not directly change the encoded amino acid sequence of the ITGAM protein. It affects a nucleotide within the consensus splice site. This variant is not present in population databases (gnomAD no frequency). This variant has not been reported in the literature in individuals affected with ITGAM-related conditions. Variants that disrupt the consensus splice site are a relatively common cause of aberrant splicing (PMID: 17576681, 9536098). Algorithms developed to predict the effect of sequence changes on RNA splicing suggest that this variant is not likely to affect RNA splicing. In summary, the available evidence is currently insufficient to determine the role of this variant in disease. Therefore, it has been classified as a Variant of Uncertain Significance.

Literature cited by the submitters: PubMed 17576681; PubMed 9536098.

NM_000632.4(ITGAM):c.2976+3G>T

Gene: ITGAM (integrin subunit alpha M; plus strand). Cytogenetic location: 16p11.2.
Variant type: single nucleotide variant.
Coding change: c.2976+3G>T on transcript NM_000632.4 (MANE Select); 3 bases into the intron after coding-DNA position 2976, G replaced by T.
Molecular consequence: intron variant.
Genome position (GRCh38, 1-based): chr16:31,329,908, G>T. VCF-style: chr16-31329908-G-T. GRCh37 (hg19) VCF-style: chr16-31341229-G-T.
Other names: c.2979+3G>T (NM_001145808.2).
Identifiers: ClinVar variation 2711377 (VCV002711377.3), dbSNP rs750071853, ClinGen allele CA2632856314.